The following is an entry in ClinVar:

ClinVar aggregate classification (germline): Pathogenic/Likely pathogenic. Review status: criteria provided, multiple submitters, no conflicts (2 of 4 stars). 2 submissions from 2 submitters: Pathogenic (1); Likely pathogenic (1). Last evaluated 2023-04-06.

Conditions:
Primary hyperoxaluria, type I (HP1). Also called: Primary hyperoxaluria type 1; GLYCOLIC ACIDURIA; HEPATIC AGT DEFICIENCY; OXALOSIS I. Identifiers: Orphanet 416, Orphanet 93598, MedGen C0268164, MONDO:0009823, OMIM 259900. Disease mechanism: loss of function.

Submissions (2):

Baylor Genetics
Classification: Likely pathogenic for Primary hyperoxaluria, type I. Last evaluated: 2023-04-06. Review status: criteria provided, single submitter. Criteria: ACMG Guidelines, 2015. Collection method: clinical testing. Allele origin: unknown.

Labcorp Genetics (formerly Invitae), Labcorp
Classification: Pathogenic. Last evaluated: 2022-09-09. Review status: criteria provided, single submitter. Criteria: Invitae Variant Classification Sherloc (09022015). Collection method: clinical testing. Allele origin: germline.
Comment: For these reasons, this variant has been classified as Pathogenic. This variant has not been reported in the literature in individuals affected with AGXT-related conditions. This variant is not present in population databases (gnomAD no frequency). This sequence change creates a premature translational stop signal (p.Gln164*) in the AGXT gene. It is expected to result in an absent or disrupted protein product. Loss-of-function variants in AGXT are known to be pathogenic (PMID: 19479957).

Literature cited by the submitters: PubMed 19479957 (cited by Labcorp Genetics (formerly Invitae), Labcorp).

NM_000030.3(AGXT):c.490C>T (p.Gln164Ter)

Gene: AGXT (alanine--glyoxylate aminotransferase; plus strand). Cytogenetic location: 2q37.3.
Variant type: single nucleotide variant.
Coding change: c.490C>T on transcript NM_000030.3 (MANE Select); coding-DNA position 490, C replaced by T.
Protein change: p.Gln164Ter; replaces glutamine 164 with a stop codon.
Molecular consequence: nonsense.
Genome position (GRCh38, 1-based): chr2:240,871,415, C>T. VCF-style: chr2-240871415-C-T. GRCh37 (hg19) VCF-style: chr2-241810832-C-T.
Other names: short protein forms Q164*.
Identifiers: ClinVar variation 2029609 (VCV002029609.5), dbSNP rs2528744859, ClinGen allele CA351316001.